The following is an entry in ClinVar:

NM_001379500.1(COL18A1):c.2683+6C>G

Gene: COL18A1 (collagen type XVIII alpha 1 chain; plus strand). Cytogenetic location: 21q22.3.
Variant type: single nucleotide variant.
Coding change: c.2683+6C>G on transcript NM_001379500.1 (MANE Select); 6 bases into the intron after coding-DNA position 2683, C replaced by G.
Molecular consequence: intron variant.
Genome position (GRCh38, 1-based): chr21:45,497,667, C>G. VCF-style: chr21-45497667-C-G. GRCh37 (hg19) VCF-style: chr21-46917581-C-G.
Other names: c.3928+6C>G (NM_130444.3); c.3223+6C>G (NM_030582.4).
Identifiers: ClinVar variation 1390118 (VCV001390118.6), dbSNP rs2146015672, ClinGen allele CA2573157590.

ClinVar aggregate classification (germline): Uncertain significance (1 of 4 stars; one submission).

Submission:

Labcorp Genetics (formerly Invitae), Labcorp
Classification: Uncertain significance. Last evaluated: 2022-10-17. Review status: criteria provided, single submitter. Criteria: Invitae Variant Classification Sherloc (09022015). Collection method: clinical testing. Allele origin: germline.
Comment: In summary, the available evidence is currently insufficient to determine the role of this variant in disease. Therefore, it has been classified as a Variant of Uncertain Significance. Variants that disrupt the consensus splice site are a relatively common cause of aberrant splicing (PMID: 17576681, 9536098). Algorithms developed to predict the effect of sequence changes on RNA splicing suggest that this variant is not likely to affect RNA splicing. ClinVar contains an entry for this variant (Variation ID: 1390118). This variant has not been reported in the literature in individuals affected with COL18A1-related conditions. This variant is not present in population databases (gnomAD no frequency). This sequence change falls in intron 32 of the COL18A1 gene. It does not directly change the encoded amino acid sequence of the COL18A1 protein. It affects a nucleotide within the consensus splice site.

Literature cited by the submitters: PubMed 17576681; PubMed 9536098.